The following is an entry in ClinVar:

NM_181882.3(PRX):c.69G>A (p.Thr23=)

Genes: PRX (periaxin; minus strand), LOC130064454 (ATAC-STARR-seq lymphoblastoid active region 14650; plus strand). Cytogenetic location: 19q13.2.
Variant type: single nucleotide variant.
Coding change: c.69G>A on transcript NM_181882.3 (MANE Select); coding-DNA position 69, G replaced by A.
Protein change: p.Thr23=; no amino-acid change (threonine 23 retained).
Molecular consequence: synonymous variant.
Genome position (GRCh38, 1-based): chr19:40,403,821, C>T on the plus strand (G>A on the coding strand, the complement: PRX is on the minus strand). VCF-style: chr19-40403821-C-T. GRCh37 (hg19) VCF-style: chr19-40909728-C-T.
Other names: c.69G>A, p.Thr23= (NM_020956.2); c.69G>A (NM_181882.2).
Identifiers: ClinVar variation 1103922 (VCV001103922.12), dbSNP rs142535919, ClinGen allele CA9444593.

ClinVar aggregate classification (germline): Likely benign. Review status: criteria provided, multiple submitters, no conflicts (2 of 4 stars). 3 submissions from 3 submitters: Likely benign (2). 1 of the submissions does not count toward it. Last evaluated 2025-06-12.

Conditions:
PRX-related disorder. Also called: PRX-related condition; PRX-Related Disorders.
Charcot-Marie-Tooth disease type 4. Also called: Charcot-Marie-Tooth disease, type IV; Charcot-Marie-Tooth, Type 4. Identifiers: Orphanet 64749, MedGen C4082197, MONDO:0018995.

Allele frequency attached by ClinVar (database versions not stated): ExAC 0.00004; TOPMed 0.00006; gnomAD 0.00007 and 0.00008; ESP Exome Variant Server 0.00015.
gnomAD v4.1: 21 of 1,608,246 alleles (0.0013%); highest among the groups gnomAD compares: African/African-American, 0.023%; no homozygotes.

Submissions (3):

Labcorp Genetics (formerly Invitae), Labcorp
Classification: Likely benign for Charcot-Marie-Tooth disease type 4. Last evaluated: 2025-06-12. Review status: criteria provided, single submitter. Criteria: Invitae Variant Classification Sherloc (09022015). Collection method: clinical testing. Allele origin: germline.

Blueprint Genetics
Classification: Likely benign. Last evaluated: 2020-08-14. Review status: criteria provided, single submitter. Criteria: ACMG Guidelines, 2015. Collection method: clinical testing. Allele origin: germline.

PreventionGenetics, part of Exact Sciences
Classification: Likely benign for PRX-related condition. Last evaluated: 2019-06-19. Review status: no assertion criteria provided. Collection method: clinical testing. Allele origin: germline. Not counted in ClinVar's aggregate classification.
Comment: This variant is classified as likely benign based on ACMG/AMP sequence variant interpretation guidelines (Richards et al. 2015 PMID: 25741868, with internal and published modifications).